The following is an entry in ClinVar:

ClinVar aggregate classification (germline): Pathogenic (1 of 4 stars; one submission).

Conditions:
Inborn genetic diseases. Identifiers: MedGen C0950123, MeSH D030342.

Submission:

Ambry Genetics
Classification: Pathogenic for Inborn genetic diseases. Last evaluated: 2025-09-22. Review status: criteria provided, single submitter. Criteria: Ambry Variant Classification Scheme 2023. Collection method: clinical testing. Allele origin: germline.
Comment: The c.829G>T (p.E277*) alteration, located in exon 1 (coding exon 1) of the PURA gene, consists of a G to T substitution at nucleotide position 829. This changes the amino acid from a glutamic acid (E) to a stop codon at amino acid position 277. Premature stop codons are typically deleterious in nature; however, because PURA is a single-exon gene this alteration is not expected to trigger nonsense-mediated mRNA decay and a(n) altered/truncated protein could still be expressed (Maquat, 2004). This alteration impacts/removes the last 46 amino acids of the protein and the exact functional impact of these amino acids is unknown at this time; however, the impacted region is critical for protein function and a significant portion of the protein is affected (Ambry internal data). This variant was not reported in population-based cohorts in the Genome Aggregation Database (gnomAD). Based on the available evidence, this alteration is classified as pathogenic.

NM_005859.5(PURA):c.829G>T (p.Glu277Ter)

Gene: PURA (purine rich element binding protein A; plus strand). Cytogenetic location: 5q31.3.
Variant type: single nucleotide variant.
Coding change: c.829G>T on transcript NM_005859.5 (MANE Select); coding-DNA position 829, G replaced by T.
Protein change: p.Glu277Ter; replaces glutamic acid 277 with a stop codon.
Molecular consequence: nonsense.
Genome position (GRCh38, 1-based): chr5:140,115,010, G>T. VCF-style: chr5-140115010-G-T. GRCh37 (hg19) VCF-style: chr5-139494595-G-T.
Other names: short protein forms E277*.
Identifiers: ClinVar variation 4628651 (VCV004628651.1).